The following is an entry in ClinVar:

ClinVar aggregate classification (germline): Conflicting classifications of pathogenicity. Review status: criteria provided, conflicting classifications (1 of 4 stars). 2 submissions from 2 submitters: Uncertain significance (1); Likely benign (1). Last evaluated 2024-11-25.

Conditions:
Growth failure in early childhood.

Submissions (2):

Blueprint Genetics
Classification: Likely benign. Last evaluated: 2024-11-25. Review status: criteria provided, single submitter. Criteria: ACMG Guidelines, 2015. Collection method: clinical testing. Allele origin: germline.

Cambridge Genomics Laboratory, East Genomic Laboratory Hub, NHS Genomic Medicine Service
Classification: Uncertain significance for Growth failure in early childhood. Last evaluated: 2024-09-10. Review status: criteria provided, single submitter. Criteria: ACGS Best Practice Guidelines for Variant Classification in Rare Disease 2020. Collection method: clinical testing. Allele origin: germline. Affected: yes.
Comment: PM2,BP4

NM_022662.4(ANAPC1):c.1084T>G (p.Ser362Ala)

Gene: ANAPC1 (anaphase promoting complex subunit 1; minus strand). Cytogenetic location: 2q13.
Variant type: single nucleotide variant.
Coding change: c.1084T>G on transcript NM_022662.4 (MANE Select); coding-DNA position 1084, T replaced by G.
Protein change: p.Ser362Ala; replaces serine 362 with alanine.
Molecular consequence: missense variant.
Genome position (GRCh38, 1-based): chr2:111,862,567, A>C on the plus strand (T>G on the coding strand, the complement: ANAPC1 is on the minus strand). VCF-style: chr2-111862567-A-C. GRCh37 (hg19) VCF-style: chr2-112620144-A-C.
Other names: short protein forms S362A.
Identifiers: ClinVar variation 4682106 (VCV004682106.2).